The following is an entry in ClinVar:

NM_015135.3(NUP205):c.3031T>C (p.Leu1011=)

Gene: NUP205 (nucleoporin 205; plus strand). Cytogenetic location: 7q33.
Variant type: single nucleotide variant.
Coding change: c.3031T>C on transcript NM_015135.3 (MANE Select); coding-DNA position 3031, T replaced by C.
Protein change: p.Leu1011=; no amino-acid change (leucine 1011 retained).
Molecular consequence: synonymous variant.
Genome position (GRCh38, 1-based): chr7:135,606,876, T>C. VCF-style: chr7-135606876-T-C. GRCh37 (hg19) VCF-style: chr7-135291624-T-C.
Other names: c.1957T>C, p.Leu653= (NM_001329434.2); c.3031T>C (NM_015135.2).
Identifiers: ClinVar variation 2078843 (VCV002078843.5), dbSNP rs539425923, ClinGen allele CA4498493.

ClinVar aggregate classification (germline): Likely benign. Review status: criteria provided, multiple submitters, no conflicts (2 of 4 stars). 2 submissions from 2 submitters: Likely benign (2). Last evaluated 2026-06-24.

Conditions:
NUP205-related disorder. Also called: NUP205-related condition.

Allele frequency attached by ClinVar (database versions not stated): gnomAD 0.00003; TOPMed 0.00004; gnomAD exomes 0.00005; ExAC 0.00011.
gnomAD v4.1: 36 of 1,614,066 alleles (0.0022%); highest among the groups gnomAD compares: Admixed American, 0.058%; no homozygotes.

Submissions (2):

PreventionGenetics, part of Exact Sciences
Classification: Likely benign for NUP205-related condition. Last evaluated: 2026-06-24. Review status: criteria provided, single submitter. Criteria: ACMG Guidelines, 2015. Collection method: clinical testing. Allele origin: germline.
Comment: This variant is classified as likely benign based on ACMG/AMP sequence variant interpretation guidelines (Richards et al. 2015 PMID: 25741868, with internal and published modifications).

Labcorp Genetics (formerly Invitae), Labcorp
Classification: Likely benign. Last evaluated: 2025-11-29. Review status: criteria provided, single submitter. Criteria: Invitae Variant Classification Sherloc (09022015). Collection method: clinical testing. Allele origin: germline.